The following is an entry in ClinVar:

ClinVar aggregate classification (germline): Uncertain significance (1 of 4 stars; one submission).

Allele frequency attached by ClinVar (database versions not stated): gnomAD exomes below 0.00001; gnomAD 0.00001.
gnomAD v4.1: 5 of 1,562,714 alleles (0.00032%); highest among the groups gnomAD compares: Non-Finnish European, 0.00035%; no homozygotes.

Submission:

Ambry Genetics
Classification: Uncertain significance. Last evaluated: 2022-08-28. Review status: criteria provided, single submitter. Criteria: Ambry Variant Classification Scheme 2023. Collection method: clinical testing. Allele origin: germline.
Comment: The p.E808G variant (also known as c.2423A>G), located in coding exon 22 of the PRKDC gene, results from an A to G substitution at nucleotide position 2423. The glutamic acid at codon 808 is replaced by glycine, an amino acid with similar properties. This amino acid position is conserved. In addition, this alteration is predicted to be tolerated by in silico analysis. Since supporting evidence is limited at this time, the clinical significance of this alteration remains unclear.

NM_006904.7(PRKDC):c.2423A>G (p.Glu808Gly)

Gene: PRKDC (protein kinase, DNA-activated, catalytic subunit; minus strand). Cytogenetic location: 8q11.21.
Variant type: single nucleotide variant.
Coding change: c.2423A>G on transcript NM_006904.7 (MANE Select); coding-DNA position 2423, A replaced by G.
Protein change: p.Glu808Gly; replaces glutamic acid 808 with glycine.
Molecular consequence: missense variant.
Genome position (GRCh38, 1-based): chr8:47,918,380, T>C on the plus strand (A>G on the coding strand, the complement: PRKDC is on the minus strand). VCF-style: chr8-47918380-T-C. GRCh37 (hg19) VCF-style: chr8-48830940-T-C.
Other names: c.2423A>G, p.Glu808Gly (NM_001081640.2); short protein forms E808G.
Identifiers: ClinVar variation 1791043 (VCV001791043.2), dbSNP rs1326966370, ClinGen allele CA371160680.